The following is an entry in ClinVar:

ClinVar aggregate classification (germline): Benign. Review status: criteria provided, multiple submitters, no conflicts (2 of 4 stars). 7 submissions from 7 submitters: Benign (6). 1 of the submissions does not count toward it. Last evaluated 2026-03-02.

Conditions:
Glycogen storage disease IXb (GSD9B). Also called: GLYCOGENOSIS OF LIVER AND MUSCLE, AUTOSOMAL RECESSIVE; GSD IXb; PHOSPHORYLASE KINASE DEFICIENCY OF LIVER AND MUSCLE, AUTOSOMAL RECESSIVE. Identifiers: Orphanet 79240, MedGen C0543514, MONDO:0009868, OMIM 261750.

Allele frequency attached by ClinVar (database versions not stated): gnomAD exomes 0.04498 and 0.05237; ExAC 0.05771; 1000 Genomes Project 0.11202; gnomAD 0.11832 and 0.12475; 1000 Genomes Project 30x 0.11852; TOPMed 0.12900; ESP Exome Variant Server 0.13367.
gnomAD v4.1: 83,903 of 1,607,860 alleles (5.2%); highest among the groups gnomAD compares: African/African-American, 32%; 5,304 homozygotes.

Submissions (7):

Women's Health and Genetics/Laboratory Corporation of America, LabCorp
Classification: Benign. Last evaluated: 2026-03-02. Review status: criteria provided, single submitter. Criteria: LabCorp Variant Classification Summary - May 2015. Collection method: clinical testing. Allele origin: germline.

Labcorp Genetics (formerly Invitae), Labcorp
Classification: Benign for Glycogen storage disease IXb. Last evaluated: 2026-02-04. Review status: criteria provided, single submitter. Criteria: Invitae Variant Classification Sherloc (09022015). Collection method: clinical testing. Allele origin: germline.

Illumina Laboratory Services, Illumina
Classification: Benign for Glycogen storage disease IXb. Last evaluated: 2018-01-12. Review status: criteria provided, single submitter. Criteria: ICSL Variant Classification Criteria 13 December 2019. Collection method: clinical testing. Allele origin: germline.
Comment: This variant was observed in the ICSL laboratory as part of a predisposition screen in an ostensibly healthy population. It had not been previously curated by ICSL or reported in the Human Gene Mutation Database (HGMD: prior to June 1st, 2018), and was therefore a candidate for classification through an automated scoring system. Utilizing variant allele frequency, disease prevalence and penetrance estimates, and inheritance mode, an automated score was calculated to assess if this variant is too frequent to cause the disease. Based on the score and internal cut-off values, a variant classified as benign is not then subjected to further curation. The score for this variant resulted in a classification of benign for this disease.

GeneDx
Classification: Benign. Last evaluated: 2016-02-23. Review status: criteria provided, single submitter. Criteria: GeneDx Variant Classification (06012015). Collection method: clinical testing. Allele origin: germline. Affected: yes.
Comment: This variant is considered likely benign or benign based on one or more of the following criteria: it is a conservative change, it occurs at a poorly conserved position in the protein, it is predicted to be benign by multiple in silico algorithms, and/or has population frequency not consistent with disease.

Breakthrough Genomics
Classification: Benign. Review status: criteria provided, single submitter. Criteria: ACMG Guidelines, 2015. Collection method: not provided. Allele origin: germline. Inheritance: Autosomal recessive inheritance. Affected: yes.

PreventionGenetics, part of Exact Sciences
Classification: Benign. Review status: criteria provided, single submitter. Criteria: ACMG Guidelines, 2015. Collection method: clinical testing. Allele origin: germline.

Mayo Clinic Laboratories, Mayo Clinic
Classification: Benign. Last evaluated: 2017-03-13. Review status: no assertion criteria provided. Collection method: clinical testing. Allele origin: unknown. Not counted in ClinVar's aggregate classification.

NM_000293.3(PHKB):c.775-6G>C

Gene: PHKB (phosphorylase kinase regulatory subunit beta; plus strand). Cytogenetic location: 16q12.1.
Variant type: single nucleotide variant.
Coding change: c.775-6G>C on transcript NM_000293.3 (MANE Select); 6 bases into the intron before coding-DNA position 775, G replaced by C.
Molecular consequence: intron variant.
Genome position (GRCh38, 1-based): chr16:47,587,662, G>C. VCF-style: chr16-47587662-G-C. GRCh37 (hg19) VCF-style: chr16-47621573-G-C.
Other names: c.775-6G>C (NM_001363837.1); c.754-6G>C (NM_001031835.3).
Identifiers: ClinVar variation 257179 (VCV000257179.19), dbSNP rs56268318, ClinGen allele CA8040623.